The following is an entry in ClinVar:

ClinVar aggregate classification (germline): Uncertain significance (1 of 4 stars; one submission).

Submission:

Labcorp Genetics (formerly Invitae), Labcorp
Classification: Uncertain significance. Last evaluated: 2023-11-16. Review status: criteria provided, single submitter. Criteria: Invitae Variant Classification Sherloc (09022015). Collection method: clinical testing. Allele origin: germline.
Comment: This sequence change replaces methionine, which is neutral and non-polar, with lysine, which is basic and polar, at codon 406 of the IHH protein (p.Met406Lys). This variant is not present in population databases (gnomAD no frequency). This variant has not been reported in the literature in individuals affected with IHH-related conditions. An algorithm developed to predict the effect of missense changes on protein structure and function (PolyPhen-2) suggests that this variant is likely to be tolerated. In summary, the available evidence is currently insufficient to determine the role of this variant in disease. Therefore, it has been classified as a Variant of Uncertain Significance.

NM_002181.4(IHH):c.1217T>A (p.Met406Lys)

Gene: IHH (Indian hedgehog signaling molecule; minus strand). Cytogenetic location: 2q35.
Variant type: single nucleotide variant.
Coding change: c.1217T>A on transcript NM_002181.4 (MANE Select); coding-DNA position 1217, T replaced by A.
Protein change: p.Met406Lys; replaces methionine 406 with lysine.
Molecular consequence: missense variant.
Genome position (GRCh38, 1-based): chr2:219,055,226, A>T on the plus strand (T>A on the coding strand, the complement: IHH is on the minus strand). VCF-style: chr2-219055226-A-T. GRCh37 (hg19) VCF-style: chr2-219919948-A-T.
Other names: short protein forms M406K.
Identifiers: ClinVar variation 2696326 (VCV002696326.3), dbSNP rs2469509445, ClinGen allele CA350629311.